The following is an entry in ClinVar:

ClinVar aggregate classification (germline): Uncertain significance (1 of 4 stars; one submission).

Submission:

Labcorp Genetics (formerly Invitae), Labcorp
Classification: Uncertain significance. Last evaluated: 2024-06-13. Review status: criteria provided, single submitter. Criteria: Invitae Variant Classification Sherloc (09022015). Collection method: clinical testing. Allele origin: germline.
Comment: This sequence change replaces glycine, which is neutral and non-polar, with valine, which is neutral and non-polar, at codon 87 of the LARP7 protein (p.Gly87Val). This variant is not present in population databases (gnomAD no frequency). This variant has not been reported in the literature in individuals affected with LARP7-related conditions. Advanced modeling of protein sequence and biophysical properties (such as structural, functional, and spatial information, amino acid conservation, physicochemical variation, residue mobility, and thermodynamic stability) performed at Invitae indicates that this missense variant is not expected to disrupt LARP7 protein function with a negative predictive value of 80%. In summary, the available evidence is currently insufficient to determine the role of this variant in disease. Therefore, it has been classified as a Variant of Uncertain Significance.

NM_016648.4(LARP7):c.260G>T (p.Gly87Val)

Gene: LARP7 (La ribonucleoprotein 7, transcriptional regulator; plus strand). Cytogenetic location: 4q25.
Variant type: single nucleotide variant.
Coding change: c.260G>T on transcript NM_016648.4 (MANE Select); coding-DNA position 260, G replaced by T.
Protein change: p.Gly87Val; replaces glycine 87 with valine.
Molecular consequence: missense variant.
Genome position (GRCh38, 1-based): chr4:112,646,408, G>T. VCF-style: chr4-112646408-G-T. GRCh37 (hg19) VCF-style: chr4-113567564-G-T.
Other names: c.260G>T, p.Gly87Val (NM_015454.3, NM_001267039.4, NM_001370974.1 and 6 more transcripts); c.23G>T, p.Gly8Val (NM_001370981.1, NM_001370982.1); short protein forms G8V, G87V.
Identifiers: ClinVar variation 3656628 (VCV003656628.2).